The following is an entry in ClinVar:

ClinVar aggregate classification (germline): Uncertain significance (1 of 4 stars; one submission).

gnomAD v4.1: 13 of 1,613,912 alleles (0.00081%); highest among the groups gnomAD compares: Admixed American, 0.005%; no homozygotes.

Submission:

Labcorp Genetics (formerly Invitae), Labcorp
Classification: Uncertain significance. Last evaluated: 2023-03-20. Review status: criteria provided, single submitter. Criteria: Invitae Variant Classification Sherloc (09022015). Collection method: clinical testing. Allele origin: germline.
Comment: This sequence change replaces valine, which is neutral and non-polar, with methionine, which is neutral and non-polar, at codon 396 of the FAT4 protein (p.Val396Met). This variant is present in population databases (rs763440848, gnomAD 0.009%). This variant has not been reported in the literature in individuals affected with FAT4-related conditions. Advanced modeling of protein sequence and biophysical properties (such as structural, functional, and spatial information, amino acid conservation, physicochemical variation, residue mobility, and thermodynamic stability) performed at Invitae indicates that this missense variant is expected to disrupt FAT4 protein function. In summary, the available evidence is currently insufficient to determine the role of this variant in disease. Therefore, it has been classified as a Variant of Uncertain Significance.

NM_001291303.3(FAT4):c.1186G>A (p.Val396Met)

Gene: FAT4 (FAT atypical cadherin 4; plus strand). Cytogenetic location: 4q28.1.
Variant type: single nucleotide variant.
Coding change: c.1186G>A on transcript NM_001291303.3 (MANE Select); coding-DNA position 1186, G replaced by A.
Protein change: p.Val396Met; replaces valine 396 with methionine.
Molecular consequence: missense variant.
Genome position (GRCh38, 1-based): chr4:125,317,597, G>A. VCF-style: chr4-125317597-G-A. GRCh37 (hg19) VCF-style: chr4-126238752-G-A.
Other names: c.1186G>A, p.Val396Met (NM_001291285.3, NM_024582.6); short protein forms V396M.
Identifiers: ClinVar variation 3011402 (VCV003011402.3), dbSNP rs763440848, ClinGen allele CA3071936.